The following is an entry in ClinVar:

ClinVar aggregate classification (germline): Pathogenic (1 of 4 stars; one submission).

Submission:

ISCA site 17
Classification: Pathogenic. Last evaluated: 2011-08-12. Review status: criteria provided, single submitter. Criteria: Kaminsky et al. (Genet Med. 2011). Collection method: clinical testing. Allele origin: unknown. Affected: yes. Observed: 1 variant allele.
Comment: Copy number variation identified through the course of routine clinical cytogenomic testing in postnatal populations. Clinical assertions have been curated as described in Kaminsky et al. 2011.

GRCh38/hg38 8p23.1(chr8:7195664-12383643)x1

Genes: BLK (BLK proto-oncogene, Src family tyrosine kinase), BLK-AS1 (BLK antisense RNA 1), C8orf74 (chromosome 8 open reading frame 74), CLDN23 (claudin 23), CRE3 (CRE3 CAGE-defined tissue-specific enhancer) and 257 more. Cytogenetic location: 8p23.1.
Variant type: copy number loss.
Change: copy number 1 (one copy instead of two) of chr8:7,195,664-12,383,643 (5.19 Mb, GRCh38 coordinates, 1-based), cytogenetic band 8p23.1.
Identifiers: ClinVar variation 59322 (VCV000059322.1).